The following is an entry in ClinVar:

NM_006231.4(POLE):c.6310T>A (p.Phe2104Ile)

Gene: POLE (DNA polymerase epsilon, catalytic subunit; minus strand). Cytogenetic location: 12q24.33.
Variant type: single nucleotide variant.
Coding change: c.6310T>A on transcript NM_006231.4 (MANE Select); coding-DNA position 6310, T replaced by A.
Protein change: p.Phe2104Ile; replaces phenylalanine 2104 with isoleucine.
Molecular consequence: missense variant.
Genome position (GRCh38, 1-based): chr12:132,632,335, A>T on the plus strand (T>A on the coding strand, the complement: POLE is on the minus strand). VCF-style: chr12-132632335-A-T. GRCh37 (hg19) VCF-style: chr12-133208921-A-T.
Other names: short protein forms F2104I.
Identifiers: ClinVar variation 3935744 (VCV003935744.1).

ClinVar aggregate classification (germline): Uncertain significance (1 of 4 stars; one submission).

Conditions:
Hereditary cancer-predisposing syndrome. Also called: Tumor predisposition; Hereditary neoplastic syndrome; Hereditary Cancer Syndrome; Neoplastic Syndromes, Hereditary. Identifiers: Orphanet 140162, MedGen C0027672, MeSH D009386, MONDO:0015356.

Submission:

Ambry Genetics
Classification: Uncertain significance for Hereditary cancer-predisposing syndrome. Last evaluated: 2025-04-23. Review status: criteria provided, single submitter. Criteria: Ambry Variant Classification Scheme 2023. Collection method: clinical testing. Allele origin: germline.
Comment: The p.F2104I variant (also known as c.6310T>A), located in coding exon 45 of the POLE gene, results from a T to A substitution at nucleotide position 6310. The phenylalanine at codon 2104 is replaced by isoleucine, an amino acid with highly similar properties. This amino acid position is conserved. In addition, this alteration is predicted to be deleterious by in silico analysis. Based on the available evidence, the clinical significance of this variant remains unclear.